The following is an entry in ClinVar:

NM_014023.4(WDR37):c.849G>C (p.Val283=)

Gene: WDR37 (WD repeat domain 37; plus strand). Cytogenetic location: 10p15.3.
Variant type: single nucleotide variant.
Coding change: c.849G>C on transcript NM_014023.4 (MANE Select); coding-DNA position 849, G replaced by C.
Protein change: p.Val283=; no amino-acid change (valine 283 retained).
Molecular consequence: synonymous variant.
Genome position (GRCh38, 1-based): chr10:1,103,724, G>C. VCF-style: chr10-1103724-G-C. GRCh37 (hg19) VCF-style: chr10-1149664-G-C.
Identifiers: ClinVar variation 4534782 (VCV004534782.6).

ClinVar aggregate classification (germline): Likely benign (1 of 4 stars; one submission).

gnomAD v4.1: 62 of 1,614,254 alleles (0.0038%); highest among the groups gnomAD compares: Admixed American, 0.1%; no homozygotes.

Submission:

CeGaT Center for Human Genetics Tuebingen
Classification: Likely benign. Last evaluated: 2025-10-01. Review status: criteria provided, single submitter. Criteria: CeGaT Center For Human Genetics Tuebingen Variant Classification Criteria Version 2. Collection method: clinical testing. Allele origin: germline. Affected: yes. Observed: 1 variant allele.
Comment: WDR37: BP4, BP7